The following is an entry in ClinVar:

ClinVar aggregate classification (germline): Uncertain significance (1 of 4 stars; one submission).

Allele frequency attached by ClinVar (database versions not stated): TOPMed 0.00002; ExAC 0.00003.
gnomAD v4.1: 50 of 1,614,000 alleles (0.0031%); highest among the groups gnomAD compares: Non-Finnish European, 0.0041%; no homozygotes.

Submission:

Labcorp Genetics (formerly Invitae), Labcorp
Classification: Uncertain significance. Last evaluated: 2022-03-12. Review status: criteria provided, single submitter. Criteria: Invitae Variant Classification Sherloc (09022015). Collection method: clinical testing. Allele origin: germline.
Comment: In summary, the available evidence is currently insufficient to determine the role of this variant in disease. Therefore, it has been classified as a Variant of Uncertain Significance. Algorithms developed to predict the effect of missense changes on protein structure and function are either unavailable or do not agree on the potential impact of this missense change (SIFT: "Deleterious"; PolyPhen-2: "Probably Damaging"; Align-GVGD: "Class C0"). This variant has not been reported in the literature in individuals affected with SORL1-related conditions. This variant is present in population databases (rs145960733, gnomAD 0.006%). This sequence change replaces glycine, which is neutral and non-polar, with serine, which is neutral and polar, at codon 1258 of the SORL1 protein (p.Gly1258Ser).

NM_003105.6(SORL1):c.3772G>A (p.Gly1258Ser)

Gene: SORL1 (sortilin related receptor 1; plus strand). Cytogenetic location: 11q24.1.
Variant type: single nucleotide variant.
Coding change: c.3772G>A on transcript NM_003105.6 (MANE Select); coding-DNA position 3772, G replaced by A.
Protein change: p.Gly1258Ser; replaces glycine 1258 with serine.
Molecular consequence: missense variant.
Genome position (GRCh38, 1-based): chr11:121,586,287, G>A. VCF-style: chr11-121586287-G-A. GRCh37 (hg19) VCF-style: chr11-121456996-G-A.
Other names: short protein forms G1258S.
Identifiers: ClinVar variation 1921970 (VCV001921970.5), dbSNP rs145960733, ClinGen allele CA6329397.